The following is an entry in ClinVar:

ClinVar aggregate classification (germline): Uncertain significance (1 of 4 stars; one submission).

Conditions:
Bardet-Biedl syndrome (BBS). Identifiers: Orphanet 110, MedGen C0752166, MONDO:0015229.

Submission:

Labcorp Genetics (formerly Invitae), Labcorp
Classification: Uncertain significance for Bardet-Biedl syndrome. Last evaluated: 2022-04-21. Review status: criteria provided, single submitter. Criteria: Invitae Variant Classification Sherloc (09022015). Collection method: clinical testing. Allele origin: germline.
Comment: This sequence change replaces lysine, which is basic and polar, with arginine, which is basic and polar, at codon 389 of the BBS4 protein (p.Lys389Arg). This variant is not present in population databases (gnomAD no frequency). In summary, the available evidence is currently insufficient to determine the role of this variant in disease. Therefore, it has been classified as a Variant of Uncertain Significance. Algorithms developed to predict the effect of missense changes on protein structure and function output the following: SIFT: "Tolerated"; PolyPhen-2: "Benign"; Align-GVGD: "Class C0". The arginine amino acid residue is found in multiple mammalian species, which suggests that this missense change does not adversely affect protein function. This variant has not been reported in the literature in individuals affected with BBS4-related conditions.

NM_033028.5(BBS4):c.1166A>G (p.Lys389Arg)

Gene: BBS4 (Bardet-Biedl syndrome 4; plus strand). Cytogenetic location: 15q24.1.
Variant type: single nucleotide variant.
Coding change: c.1166A>G on transcript NM_033028.5 (MANE Select); coding-DNA position 1166, A replaced by G.
Protein change: p.Lys389Arg; replaces lysine 389 with arginine.
Molecular consequence: missense variant. On other transcripts: non-coding transcript variant (2).
Genome position (GRCh38, 1-based): chr15:72,735,884, A>G. VCF-style: chr15-72735884-A-G. GRCh37 (hg19) VCF-style: chr15-73028225-A-G.
Other names: c.650A>G, p.Lys217Arg (NM_001252678.2); c.1097A>G, p.Lys366Arg (NM_001320665.2); short protein forms K366R, K217R, K389R.
Identifiers: ClinVar variation 2128838 (VCV002128838.4), dbSNP rs2543012260, ClinGen allele CA393080076.
Genomic context (GRCh38, chr15:72,735,884, plus strand): 5'-GGTGTAACCCTTTAGTAAACCTGAACTATGCTGTGCTGCTGTACAACCAGGGCGAGAAGA[A>G]GAACGCCCTGGCCCAATATCAGGAGATGGAGAAGAAAGTCAGCCTACTCAAGGACAATAG-3'
Protein context (NP_149017.2, residues 379-399): AVLLYNQGEK[Lys389Arg]NALAQYQEME